The following is an entry in ClinVar:

NM_013372.7(GREM1):c.505A>G (p.Arg169Gly)

Gene: GREM1 (gremlin 1, DAN family BMP antagonist; plus strand). Cytogenetic location: 15q13.3.
Variant type: single nucleotide variant.
Coding change: c.505A>G on transcript NM_013372.7 (MANE Select); coding-DNA position 505, A replaced by G.
Protein change: p.Arg169Gly; replaces arginine 169 with glycine.
Molecular consequence: missense variant.
Genome position (GRCh38, 1-based): chr15:32,731,195, A>G. VCF-style: chr15-32731195-A-G. GRCh37 (hg19) VCF-style: chr15-33023396-A-G.
Other names: c.295A>G, p.Arg99Gly (NM_001191322.2); c.382A>G, p.Arg128Gly (NM_001191323.2); c.505A>G, p.Arg169Gly (NM_001368719.1); short protein forms R169G, R99G, R128G.
Identifiers: ClinVar variation 5022516 (VCV005022516.1).

ClinVar aggregate classification (germline): Uncertain significance (1 of 4 stars; one submission).

Conditions:
Hereditary cancer-predisposing syndrome. Also called: Neoplastic Syndromes, Hereditary; Tumor predisposition; Hereditary neoplastic syndrome; Hereditary Cancer Syndrome. Identifiers: Orphanet 140162, MedGen C0027672, MeSH D009386, MONDO:0015356.

Submission:

Ambry Genetics
Classification: Uncertain significance for Hereditary cancer-predisposing syndrome. Last evaluated: 2026-07-20. Review status: criteria provided, single submitter. Criteria: Ambry Variant Classification Scheme 2023. Collection method: clinical testing. Allele origin: germline.
Comment: The p.R169G variant (also known as c.505A>G), located in coding exon 1 of the GREM1 gene, results from an A to G substitution at nucleotide position 505. The arginine at codon 169 is replaced by glycine, an amino acid with dissimilar properties. This amino acid position is conserved. In addition, the in silico prediction for this alteration is inconclusive. Based on the available evidence, the clinical significance of this variant remains unclear.